The following is an entry in ClinVar:

ClinVar aggregate classification (germline): Uncertain significance. Review status: criteria provided, multiple submitters, no conflicts (2 of 4 stars). 2 submissions from 2 submitters: Uncertain significance (2). Last evaluated 2024-10-24.

Allele frequency attached by ClinVar (database versions not stated): TOPMed 0.00002; gnomAD exomes 0.00004 and 0.00006; ExAC 0.00008.
gnomAD v4.1: 52 of 1,614,180 alleles (0.0032%); highest among the groups gnomAD compares: Non-Finnish European, 0.0041%; no homozygotes.

Submissions (2):

Ambry Genetics
Classification: Uncertain significance. Last evaluated: 2024-10-24. Review status: criteria provided, single submitter. Criteria: Ambry Variant Classification Scheme 2023. Collection method: clinical testing. Allele origin: germline.

Labcorp Genetics (formerly Invitae), Labcorp
Classification: Uncertain significance. Last evaluated: 2021-12-24. Review status: criteria provided, single submitter. Criteria: Invitae Variant Classification Sherloc (09022015). Collection method: clinical testing. Allele origin: germline.
Comment: This sequence change replaces leucine, which is neutral and non-polar, with tryptophan, which is neutral and slightly polar, at codon 419 of the CEP250 protein (p.Leu419Trp). This variant is present in population databases (rs575668907, gnomAD 0.01%). This variant has not been reported in the literature in individuals affected with CEP250-related conditions. Algorithms developed to predict the effect of missense changes on protein structure and function output the following: SIFT: "Not Available"; PolyPhen-2: "Benign"; Align-GVGD: "Not Available". The tryptophan amino acid residue is found in multiple mammalian species, which suggests that this missense change does not adversely affect protein function. In summary, the available evidence is currently insufficient to determine the role of this variant in disease. Therefore, it has been classified as a Variant of Uncertain Significance.

NM_007186.6(CEP250):c.1256T>G (p.Leu419Trp)

Genes: CEP250 (centrosomal protein 250; plus strand), CEP250-AS1 (CEP250 antisense RNA 1; minus strand). Cytogenetic location: 20q11.22.
Variant type: single nucleotide variant.
Coding change: c.1256T>G on transcript NM_007186.6 (MANE Select); coding-DNA position 1256, T replaced by G.
Protein change: p.Leu419Trp; replaces leucine 419 with tryptophan.
Molecular consequence: missense variant. On other transcripts: 5 prime UTR variant (1).
Genome position (GRCh38, 1-based): chr20:35,473,420, T>G. VCF-style: chr20-35473420-T-G. GRCh37 (hg19) VCF-style: chr20-34061245-T-G.
Other names: c.-644T>G (NM_001318219.1); c.1256T>G (NM_007186.3); short protein forms L419W.
Identifiers: ClinVar variation 1518034 (VCV001518034.5), dbSNP rs575668907, ClinGen allele CA9832872.